The following is an entry in ClinVar:

NM_006459.4(ERLIN1):c.317T>C (p.Val106Ala)

Gene: ERLIN1 (ER lipid raft associated 1; minus strand). Cytogenetic location: 10q24.31.
Variant type: single nucleotide variant.
Coding change: c.317T>C on transcript NM_006459.4 (MANE Select); coding-DNA position 317, T replaced by C.
Protein change: p.Val106Ala; replaces valine 106 with alanine.
Molecular consequence: missense variant. On other transcripts: 5 prime UTR variant (1), non-coding transcript variant (6).
Genome position (GRCh38, 1-based): chr10:100,176,058, A>G on the plus strand (T>C on the coding strand, the complement: ERLIN1 is on the minus strand). VCF-style: chr10-100176058-A-G. GRCh37 (hg19) VCF-style: chr10-101935815-A-G.
Other names: c.317T>C, p.Val106Ala (NM_001100626.2, NM_001347857.2, NM_001347859.2 and 2 more transcripts); c.65T>C, p.Val22Ala (NM_001347856.2); c.-164T>C (NM_001347858.2); short protein forms V106A, V22A.
Identifiers: ClinVar variation 1512248 (VCV001512248.8), dbSNP rs766334565, ClinGen allele CA5646095.

ClinVar aggregate classification (germline): Uncertain significance (1 of 4 stars; one submission).

Conditions:
Hereditary spastic paraplegia 62. Also called: Spastic paraplegia 62, autosomal recessive. Identifiers: Orphanet 401785, MedGen C4284588, MONDO:0014302, OMIM 615681.

Allele frequency attached by ClinVar (database versions not stated): gnomAD exomes below 0.00001 and 0.00001; gnomAD 0.00002 and 0.00001; TOPMed 0.00002; ExAC 0.00001.

Submission:

Labcorp Genetics (formerly Invitae), Labcorp
Classification: Uncertain significance for Hereditary spastic paraplegia 62. Last evaluated: 2021-05-07. Review status: criteria provided, single submitter. Criteria: Invitae Variant Classification Sherloc (09022015). Collection method: clinical testing. Allele origin: germline.
Comment: This variant has not been reported in the literature in individuals with ERLIN1-related conditions. This variant is present in population databases (rs766334565, ExAC 0.002%). This sequence change replaces valine with alanine at codon 106 of the ERLIN1 protein (p.Val106Ala). The valine residue is highly conserved and there is a small physicochemical difference between valine and alanine. Algorithms developed to predict the effect of missense changes on protein structure and function are either unavailable or do not agree on the potential impact of this missense change (SIFT: "Deleterious"; PolyPhen-2: "Probably Damaging"; Align-GVGD: "Class C0"). In summary, the available evidence is currently insufficient to determine the role of this variant in disease. Therefore, it has been classified as a Variant of Uncertain Significance.